The following is an entry in ClinVar:

ClinVar aggregate classification (germline): Uncertain significance (1 of 4 stars; one submission).

Conditions:
Neurodegeneration with brain iron accumulation 6 (NBIA6). Also called: COASY protein-associated neurodegeneration. Identifiers: Orphanet 397725, MedGen C4517377, MONDO:0014290, OMIM 615643.

Submission:

Labcorp Genetics (formerly Invitae), Labcorp
Classification: Uncertain significance for Neurodegeneration with brain iron accumulation 6. Last evaluated: 2023-10-13. Review status: criteria provided, single submitter. Criteria: Invitae Variant Classification Sherloc (09022015). Collection method: clinical testing. Allele origin: germline.
Comment: This sequence change replaces tyrosine, which is neutral and polar, with phenylalanine, which is neutral and non-polar, at codon 136 of the COASY protein (p.Tyr136Phe). This variant is not present in population databases (gnomAD no frequency). This variant has not been reported in the literature in individuals affected with COASY-related conditions. ClinVar contains an entry for this variant (Variation ID: 2006058). Advanced modeling of protein sequence and biophysical properties (such as structural, functional, and spatial information, amino acid conservation, physicochemical variation, residue mobility, and thermodynamic stability) performed at Invitae indicates that this missense variant is not expected to disrupt COASY protein function. In summary, the available evidence is currently insufficient to determine the role of this variant in disease. Therefore, it has been classified as a Variant of Uncertain Significance.

NM_025233.7(COASY):c.407A>T (p.Tyr136Phe)

Gene: COASY (Coenzyme A synthase; plus strand). Cytogenetic location: 17q21.2.
Variant type: single nucleotide variant.
Coding change: c.407A>T on transcript NM_025233.7 (MANE Select); coding-DNA position 407, A replaced by T.
Protein change: p.Tyr136Phe; replaces tyrosine 136 with phenylalanine.
Molecular consequence: missense variant.
Genome position (GRCh38, 1-based): chr17:42,563,029, A>T. VCF-style: chr17-42563029-A-T. GRCh37 (hg19) VCF-style: chr17-40715047-A-T.
Other names: c.407A>T, p.Tyr136Phe (NM_001042529.3); c.494A>T, p.Tyr165Phe (NM_001042532.4); short protein forms Y165F, Y136F.
Identifiers: ClinVar variation 2006058 (VCV002006058.4), dbSNP rs2510678055, ClinGen allele CA399617835.